The following is an entry in ClinVar:

NM_000092.5(COL4A4):c.273A>G (p.Lys91=)

Gene: COL4A4 (collagen type IV alpha 4 chain; minus strand). Cytogenetic location: 2q36.3.
Variant type: single nucleotide variant.
Coding change: c.273A>G on transcript NM_000092.5 (MANE Select); coding-DNA position 273, A replaced by G.
Protein change: p.Lys91=; no amino-acid change (lysine 91 retained).
Molecular consequence: synonymous variant.
Genome position (GRCh38, 1-based): chr2:227,121,068, T>C on the plus strand (A>G on the coding strand, the complement: COL4A4 is on the minus strand). VCF-style: chr2-227121068-T-C. GRCh37 (hg19) VCF-style: chr2-227985784-T-C.
Identifiers: ClinVar variation 2506663 (VCV002506663.5), dbSNP rs2476240165, ClinGen allele CA431504909.

ClinVar aggregate classification (germline): Conflicting classifications of pathogenicity. Review status: criteria provided, conflicting classifications (1 of 4 stars). 3 submissions from 3 submitters: Uncertain significance (1); Likely benign (2). Last evaluated 2024-08-31.

Allele frequency attached by ClinVar (database versions not stated): gnomAD exomes 0.00001.
gnomAD v4.1: 8 of 1,614,190 alleles (0.0005%); highest among the groups gnomAD compares: Non-Finnish European, 0.00068%; no homozygotes.

Submissions (3):

Women's Health and Genetics/Laboratory Corporation of America, LabCorp
Classification: Likely benign. Last evaluated: 2024-08-31. Review status: criteria provided, single submitter. Criteria: LabCorp Variant Classification Summary - May 2015. Collection method: clinical testing. Allele origin: germline.

Labcorp Genetics (formerly Invitae), Labcorp
Classification: Likely benign. Last evaluated: 2024-02-23. Review status: criteria provided, single submitter. Criteria: Invitae Variant Classification Sherloc (09022015). Collection method: clinical testing. Allele origin: germline.

GeneDx
Classification: Uncertain significance. Last evaluated: 2022-12-20. Review status: criteria provided, single submitter. Criteria: GeneDx Variant Classification Process June 2021. Collection method: clinical testing. Allele origin: germline. Affected: yes.
Comment: Not observed at significant frequency in large population cohorts (gnomAD); In silico analysis supports that this variant does not alter splicing; Has not been previously published as pathogenic or benign to our knowledge